The following is an entry in ClinVar:

NM_004360.5(CDH1):c.131G>T (p.Arg44Leu)

Gene: CDH1 (cadherin 1; plus strand). Cytogenetic location: 16q22.1.
Variant type: single nucleotide variant.
Coding change: c.131G>T on transcript NM_004360.5 (MANE Select); coding-DNA position 131, G replaced by T.
Protein change: p.Arg44Leu; replaces arginine 44 with leucine.
Molecular consequence: missense variant. On other transcripts: 5 prime UTR variant (2).
Genome position (GRCh38, 1-based): chr16:68,738,379, G>T. VCF-style: chr16-68738379-G-T. GRCh37 (hg19) VCF-style: chr16-68772282-G-T.
Other names: c.131G>T (LRG_301t1); c.131G>T, p.Arg44Leu (NM_001317184.2); c.-1485G>T (NM_001317185.2); c.-1689G>T (NM_001317186.2); short protein forms R44L.
Identifiers: ClinVar variation 481703 (VCV000481703.12), dbSNP rs1375178645, ClinGen allele CA396452183.

ClinVar aggregate classification (germline): Conflicting classifications of pathogenicity. Review status: criteria provided, conflicting classifications (1 of 4 stars). 3 submissions from 3 submitters: Uncertain significance (2); Likely benign (1). Last evaluated 2025-12-04.

Conditions:
Hereditary cancer-predisposing syndrome. Also called: Hereditary neoplastic syndrome; Neoplastic Syndromes, Hereditary; Tumor predisposition; Hereditary Cancer Syndrome. Identifiers: Orphanet 140162, MedGen C0027672, MeSH D009386, MONDO:0015356.
Hereditary diffuse gastric adenocarcinoma (HDGC). Also called: DIFFUSE GASTRIC AND LOBULAR BREAST CANCER SYNDROME. Identifiers: Orphanet 26106, MedGen C1708349, MONDO:0007648, OMIM 137215.

Submissions (3):

Ambry Genetics
Classification: Likely benign for Hereditary cancer-predisposing syndrome. Last evaluated: 2025-12-04. Review status: criteria provided, single submitter. Criteria: Ambry Variant Classification Scheme 2023. Collection method: clinical testing. Allele origin: germline.

Color Diagnostics, LLC DBA Color Health
Classification: Uncertain significance for Hereditary cancer-predisposing syndrome. Last evaluated: 2022-04-18. Review status: criteria provided, single submitter. Criteria: ACMG Guidelines, 2015. Collection method: clinical testing. Allele origin: germline.
Comment: This missense variant replaces arginine with leucine at codon 44 of the CDH1 protein. To our knowledge, functional studies have not been reported for this variant. This variant has not been reported in individuals affected with hereditary cancer in the literature. This variant has not been identified in the general population by the Genome Aggregation Database (gnomAD). The available evidence is insufficient to determine the role of this variant in disease conclusively. Therefore, this variant is classified as a Variant of Uncertain Significance.

Labcorp Genetics (formerly Invitae), Labcorp
Classification: Uncertain significance for Hereditary diffuse gastric adenocarcinoma. Last evaluated: 2022-03-03. Review status: criteria provided, single submitter. Criteria: Invitae Variant Classification Sherloc (09022015). Collection method: clinical testing. Allele origin: germline.
Comment: This variant is not present in population databases (gnomAD no frequency). This sequence change replaces arginine, which is basic and polar, with leucine, which is neutral and non-polar, at codon 44 of the CDH1 protein (p.Arg44Leu). This variant has not been reported in the literature in individuals affected with CDH1-related conditions. In summary, the available evidence is currently insufficient to determine the role of this variant in disease. Therefore, it has been classified as a Variant of Uncertain Significance. Algorithms developed to predict the effect of missense changes on protein structure and function output the following: SIFT: "Tolerated"; PolyPhen-2: "Benign"; Align-GVGD: "Class C0". The leucine amino acid residue is found in multiple mammalian species, which suggests that this missense change does not adversely affect protein function. ClinVar contains an entry for this variant (Variation ID: 481703).

Literature cited by the submitters: PubMed 34299313 (cited by Ambry Genetics).